The following is an entry in ClinVar:

NM_001848.3(COL6A1):c.2712C>T (p.Val904=)

Gene: COL6A1 (collagen type VI alpha 1 chain; plus strand). Cytogenetic location: 21q22.3.
Variant type: single nucleotide variant.
Coding change: c.2712C>T on transcript NM_001848.3 (MANE Select); coding-DNA position 2712, C replaced by T.
Protein change: p.Val904=; no amino-acid change (valine 904 retained).
Molecular consequence: synonymous variant.
Genome position (GRCh38, 1-based): chr21:46,003,638, C>T. VCF-style: chr21-46003638-C-T. GRCh37 (hg19) VCF-style: chr21-47423552-C-T.
Identifiers: ClinVar variation 597427 (VCV000597427.37), dbSNP rs780582491, ClinGen allele CA10071009.
Genomic context (GRCh38, chr21:46,003,638, plus strand): 5'-GCGCCCAGAGCGGGCGTCGCTGCAGTTCCTGCAGAACTACACGGCCCTGGCCAGTGCCGT[C>T]GATGCCATGGACTTTATCAACGACGCCACCGACGTCAACGATGCCCTGGGCTATGTGACC-3'
Protein context (NP_001839.2, residues 894-914): LQNYTALASA[Val904=]DAMDFINDAT

ClinVar aggregate classification (germline): Conflicting classifications of pathogenicity. Review status: criteria provided, conflicting classifications (1 of 4 stars). 3 submissions from 3 submitters: Uncertain significance (1); Likely benign (2). Last evaluated 2025-09-01.

Conditions:
Bethlem myopathy 1A. Also called: Bethlem myopathy 1; MYOPATHY, BENIGN CONGENITAL, WITH CONTRACTURES; Bethlem Muscular Dystrophy. Identifiers: Orphanet 610, MedGen CN029274, MONDO:0024530, OMIM 158810.

Allele frequency attached by ClinVar (database versions not stated): ExAC 0.00001; gnomAD exomes 0.00001 and 0.00004; gnomAD 0.00002 and 0.00003; TOPMed 0.00003.
gnomAD v4.1: 72 of 1,612,926 alleles (0.0045%); highest among the groups gnomAD compares: Non-Finnish European, 0.0053%; no homozygotes.

Submissions (3):

CeGaT Center for Human Genetics Tuebingen
Classification: Likely benign. Last evaluated: 2025-09-01. Review status: criteria provided, single submitter. Criteria: CeGaT Center For Human Genetics Tuebingen Variant Classification Criteria Version 2. Collection method: clinical testing. Allele origin: germline. Affected: yes. Observed: 2 variant alleles.
Comment: COL6A1: BP4, BP7

Labcorp Genetics (formerly Invitae), Labcorp
Classification: Likely benign for Bethlem myopathy 1A. Last evaluated: 2025-06-17. Review status: criteria provided, single submitter. Criteria: Invitae Variant Classification Sherloc (09022015). Collection method: clinical testing. Allele origin: germline.

Eurofins Ntd Llc (ga)
Classification: Uncertain significance. Last evaluated: 2018-06-07. Review status: criteria provided, single submitter. Criteria: EGL ClinVar v180209 classification definitions. Collection method: clinical testing. Allele origin: germline. Observed: 1 variant allele, 1 heterozygote.